The following is an entry in ClinVar:

ClinVar aggregate classification (germline): Uncertain significance. Review status: criteria provided, multiple submitters, no conflicts (2 of 4 stars). 2 submissions from 2 submitters: Uncertain significance (2). Last evaluated 2021-04-30.

Conditions:
Intellectual developmental disorder, X-linked 99. Also called: Intellectual disability, X-linked 99. Identifiers: Orphanet 777, MedGen C3806746, MONDO:0010487, OMIM 300919.

Submissions (2):

CENTOGENE GmbH and LLC - Guiding Precision Medicine
Classification: Uncertain significance for Intellectual developmental disorder, X-linked 99. Last evaluated: 2021-04-30. Review status: criteria provided, single submitter. Criteria: ACMG Guidelines, 2015. Collection method: clinical testing. Allele origin: germline.

GeneDx
Classification: Uncertain significance. Last evaluated: 2019-08-02. Review status: criteria provided, single submitter. Criteria: GeneDx Variant Classification Process June 2021. Collection method: clinical testing. Allele origin: germline. Affected: yes.
Comment: Not observed in large population cohorts (Lek et al., 2016); In silico analysis, which includes protein predictors and evolutionary conservation, supports that this variant does not alter protein structure/function; Has not been previously published as pathogenic or benign to our knowledge

NM_001039591.3(USP9X):c.904G>A (p.Ala302Thr)

Gene: USP9X (ubiquitin specific peptidase 9 X-linked; plus strand). Cytogenetic location: Xp11.4.
Variant type: single nucleotide variant.
Coding change: c.904G>A on transcript NM_001039591.3 (MANE Select); coding-DNA position 904, G replaced by A.
Protein change: p.Ala302Thr; replaces alanine 302 with threonine.
Molecular consequence: missense variant.
Genome position (GRCh38, 1-based): chrX:41,141,099, G>A. VCF-style: chrX-41141099-G-A. GRCh37 (hg19) VCF-style: chrX-41000352-G-A.
Other names: c.904G>A, p.Ala302Thr (NM_001039590.3); short protein forms A302T.
Identifiers: ClinVar variation 1307353 (VCV001307353.3), dbSNP rs2147048375, ClinGen allele CA412767084.